The following is an entry in ClinVar:

NM_005431.2(XRCC2):c.235T>G (p.Leu79Val)

Gene: XRCC2 (X-ray repair cross complementing 2; minus strand). Cytogenetic location: 7q36.1.
Variant type: single nucleotide variant.
Coding change: c.235T>G on transcript NM_005431.2 (MANE Select); coding-DNA position 235, T replaced by G.
Protein change: p.Leu79Val; replaces leucine 79 with valine.
Molecular consequence: missense variant.
Genome position (GRCh38, 1-based): chr7:152,649,250, A>C on the plus strand (T>G on the coding strand, the complement: XRCC2 is on the minus strand). VCF-style: chr7-152649250-A-C. GRCh37 (hg19) VCF-style: chr7-152346335-A-C.
Other names: short protein forms L79V.
Identifiers: ClinVar variation 3817837 (VCV003817837.2).
Genomic context (GRCh38, chr7:152,649,250, plus strand): 5'-TGTGCTCAAGAATTGTAACTAGCCGGAGCATATCAAAGTGGTAATCTGTATCAATAAATA[A>C]GACTTCTACTTCCAGGCCACCTTCTGATTTGGGAAGTATACATCGTGCTGTTAGGTGATA-3'
Protein context (NP_005422.1, residues 69-89): KSEGGLEVEV[Leu79Val]FIDTDYHFDM

ClinVar aggregate classification (germline): Uncertain significance. Review status: criteria provided, multiple submitters, no conflicts (2 of 4 stars). 2 submissions from 2 submitters: Uncertain significance (2). Last evaluated 2026-01-03.

Conditions:
Hereditary cancer-predisposing syndrome. Also called: Hereditary neoplastic syndrome; Neoplastic Syndromes, Hereditary; Tumor predisposition; Hereditary Cancer Syndrome. Identifiers: Orphanet 140162, MedGen C0027672, MeSH D009386, MONDO:0015356.

gnomAD v4.1: 6 of 1,613,830 alleles (0.00037%); highest among the groups gnomAD compares: South Asian, 0.0066%; no homozygotes.

Submissions (2):

Labcorp Genetics (formerly Invitae), Labcorp
Classification: Uncertain significance. Last evaluated: 2026-01-03. Review status: criteria provided, single submitter. Criteria: Invitae Variant Classification Sherloc (09022015). Collection method: clinical testing. Allele origin: germline.
Comment: This sequence change replaces leucine, which is neutral and non-polar, with valine, which is neutral and non-polar, at codon 79 of the XRCC2 protein (p.Leu79Val). This variant is present in population databases (rs762288846, gnomAD 0.006%). This variant has not been reported in the literature in individuals affected with XRCC2-related conditions. ClinVar contains an entry for this variant (Variation ID: 3817837). Invitae Evidence Modeling of protein sequence and biophysical properties (such as structural, functional, and spatial information, amino acid conservation, physicochemical variation, residue mobility, and thermodynamic stability) indicates that this missense variant is not expected to disrupt XRCC2 protein function with a negative predictive value of 80%. In summary, the available evidence is currently insufficient to determine the role of this variant in disease. Therefore, it has been classified as a Variant of Uncertain Significance.

Ambry Genetics
Classification: Uncertain significance for Hereditary cancer-predisposing syndrome. Last evaluated: 2024-12-25. Review status: criteria provided, single submitter. Criteria: Ambry Variant Classification Scheme 2023. Collection method: clinical testing. Allele origin: germline.
Comment: The p.L79V variant (also known as c.235T>G), located in coding exon 3 of the XRCC2 gene, results from a T to G substitution at nucleotide position 235. The leucine at codon 79 is replaced by valine, an amino acid with highly similar properties. This amino acid position is conserved. In addition, this alteration is predicted to be tolerated by in silico analysis. Based on the available evidence, the clinical significance of this variant remains unclear.